The following is an entry in ClinVar:

ClinVar aggregate classification (germline): Benign/Likely benign (0 of 4 stars; one submission).

Submission:

GeneDx
Classification: Benign/Likely benign. Last evaluated: 2011-04-30. Review status: no assertion criteria provided. Collection method: clinical testing. Allele origin: not provided. Affected: yes. Observed: 3 variant alleles. Clinical features observed: Developmental delay AND/OR other significant developmental or morphological phenotypes.
Comment: Likely benign (1), Benign (3)

GRCh38/hg38 12q14.2(chr12:63553952-63722729)x1

Genes: DPY19L2 (dpy-19 like 2; minus strand), LOC130008194 (ATAC-STARR-seq lymphoblastoid active region 6585; plus strand). Cytogenetic location: 12q14.2.
Variant type: copy number loss.
Change: copy number 1 (one copy instead of two) of chr12:63,553,952-63,722,729 (168.8 kb, GRCh38 coordinates, 1-based), cytogenetic band 12q14.2.
Identifiers: ClinVar variation 145012 (VCV000145012.1).